The following is an entry in ClinVar:

NM_181332.3(NLGN4X):c.2128C>A (p.Arg710Ser)

Gene: NLGN4X (neuroligin 4 X-linked; minus strand). Cytogenetic location: Xp22.32.
Variant type: single nucleotide variant.
Coding change: c.2128C>A on transcript NM_181332.3 (MANE Select); coding-DNA position 2128, C replaced by A.
Protein change: p.Arg710Ser; replaces arginine 710 with serine.
Molecular consequence: missense variant.
Genome position (GRCh38, 1-based): chrX:5,893,140, G>T on the plus strand (C>A on the coding strand, the complement: NLGN4X is on the minus strand). VCF-style: chrX-5893140-G-T. GRCh37 (hg19) VCF-style: chrX-5811181-G-T.
Other names: c.2128C>A, p.Arg710Ser (NM_001282145.2, NM_001282146.2, NM_020742.4); short protein forms R710S.
Identifiers: ClinVar variation 452220 (VCV000452220.2), dbSNP rs763458960, ClinGen allele CA412012936.
Genomic context (GRCh38, chrX:5,893,140, plus strand): 5'-TGATCTCTTCGTTCTGGATGTGAGCGATATCATTTGTGGTGTTTCTCTGGGGACTGGGGC[G>T]CCTGTGAGTCTCATGGCGCCTCTTGTCCTTTTTGTAGTACAGCGCCGCAAAAGCTAAGAT-3'
Protein context (NP_851849.1, residues 700-720): KDKRRHETHR[Arg710Ser]PSPQRNTTND

ClinVar aggregate classification (germline): Uncertain significance (1 of 4 stars; one submission).

Submission:

GeneDx
Classification: Uncertain significance. Last evaluated: 2017-09-28. Review status: criteria provided, single submitter. Criteria: GeneDx Variant Classification (06012015). Collection method: clinical testing. Allele origin: germline. Affected: yes.
Comment: The R710S variant has not been published as a pathogenic variant, nor has it been reported as a benign variant to our knowledge. The R710S variant is not observed in large population cohorts (Lek et al., 2016). This variant is a semi-conservative amino acid substitution, which may impact secondary protein structure as these residues differ in some properties. This substitution occurs at a position that is conserved in mammals. In silico analysis predicts this variant is probably damaging to the protein structure/function.